The following is an entry in ClinVar:

ClinVar aggregate classification (germline): Uncertain significance (1 of 4 stars; one submission).

Conditions:
Catecholaminergic polymorphic ventricular tachycardia 1. Also called: VENTRICULAR TACHYCARDIA, STRESS-INDUCED POLYMORPHIC 1; VENTRICULAR TACHYCARDIA, CATECHOLAMINERGIC POLYMORPHIC, 1, WITH OR WITHOUT ATRIAL DYSFUNCTION AND/OR DILATED CARDIOMYOPATHY; RYR2-Related Catecholaminergic Polymorphic Ventricular Tachycardia. Identifiers: Orphanet 3286, MedGen C1631597, MONDO:0011484, OMIM 604772.

Submission:

Labcorp Genetics (formerly Invitae), Labcorp
Classification: Uncertain significance for Catecholaminergic polymorphic ventricular tachycardia 1. Last evaluated: 2024-04-18. Review status: criteria provided, single submitter. Criteria: Invitae Variant Classification Sherloc (09022015). Collection method: clinical testing. Allele origin: germline.
Comment: This sequence change replaces isoleucine, which is neutral and non-polar, with serine, which is neutral and polar, at codon 2149 of the RYR2 protein (p.Ile2149Ser). This variant is not present in population databases (gnomAD no frequency). This variant has not been reported in the literature in individuals affected with RYR2-related conditions. Advanced modeling of protein sequence and biophysical properties (such as structural, functional, and spatial information, amino acid conservation, physicochemical variation, residue mobility, and thermodynamic stability) performed at Invitae indicates that this missense variant is expected to disrupt RYR2 protein function with a positive predictive value of 95%. In summary, the available evidence is currently insufficient to determine the role of this variant in disease. Therefore, it has been classified as a Variant of Uncertain Significance.

NM_001035.3(RYR2):c.6446T>G (p.Ile2149Ser)

Gene: RYR2 (ryanodine receptor 2; plus strand). Cytogenetic location: 1q43.
Variant type: single nucleotide variant.
Coding change: c.6446T>G on transcript NM_001035.3 (MANE Select); coding-DNA position 6446, T replaced by G.
Protein change: p.Ile2149Ser; replaces isoleucine 2149 with serine.
Molecular consequence: missense variant.
Genome position (GRCh38, 1-based): chr1:237,631,432, T>G. VCF-style: chr1-237631432-T-G. GRCh37 (hg19) VCF-style: chr1-237794732-T-G.
Other names: short protein forms I2149S.
Identifiers: ClinVar variation 3716552 (VCV003716552.2).